The following is an entry in ClinVar:

NM_004385.5(VCAN):c.1369G>A (p.Glu457Lys)

Gene: VCAN (versican; plus strand). Cytogenetic location: 5q14.3.
Variant type: single nucleotide variant.
Coding change: c.1369G>A on transcript NM_004385.5 (MANE Select); coding-DNA position 1369, G replaced by A.
Protein change: p.Glu457Lys; replaces glutamic acid 457 with lysine.
Molecular consequence: missense variant. On other transcripts: intron variant (2).
Genome position (GRCh38, 1-based): chr5:83,519,675, G>A. VCF-style: chr5-83519675-G-A. GRCh37 (hg19) VCF-style: chr5-82815494-G-A.
Other names: c.1369G>A, p.Glu457Lys (NM_001164098.2); c.1042+7279G>A (NM_001164097.2, NM_001126336.3); short protein forms E457K.
Identifiers: ClinVar variation 903795 (VCV000903795.36), dbSNP rs145029761, ClinGen allele CA3332657.
Genomic context (GRCh38, chr5:83,519,675, plus strand): 5'-GATGACTACTCACCTTCTGCTTCAGGACCTCTTGGAAAGCTAGACATATCAGAAATTAAG[G>A]AAGAAGTGCTCCAGAGTACAACTGGCGTCTCTCATTATGCTACGGATTCATGGGATGGTG-3'
Protein context (NP_004376.2, residues 447-467): LGKLDISEIK[Glu457Lys]EVLQSTTGVS

ClinVar aggregate classification (germline): Conflicting classifications of pathogenicity. Review status: criteria provided, conflicting classifications (1 of 4 stars). 6 submissions from 5 submitters: Uncertain significance (2); Benign (2); Likely benign (2). Last evaluated 2025-09-07.

Conditions:
Vitreoretinopathy. Also called: Vitreoretinal degeneration. Identifiers: MedGen C0344290, MONDO:0020248, HP:0007773.
Inborn genetic diseases. Identifiers: MedGen C0950123, MeSH D030342.
Wagner disease. Also called: Wagner Vitreoretinal Degeneration (Wagner Synrdome); WAGNER SYNDROME 1; HYALOIDEORETINAL DEGENERATION OF WAGNER; Wagner syndrome; WAGNER VITREORETINAL DEGENERATION; WAGNER VITREORETINOPATHY. Identifiers: Orphanet 898, MedGen C1840452, MONDO:0007740, OMIM 143200.

Allele frequency attached by ClinVar (database versions not stated): ExAC 0.00010; TOPMed 0.00012; gnomAD 0.00015; gnomAD exomes 0.00021 and 0.00008; ESP Exome Variant Server 0.00038.
gnomAD v4.1: 339 of 1,614,012 alleles (0.021%); highest among the groups gnomAD compares: Non-Finnish European, 0.027%; 1 homozygote.

Submissions (6):

Labcorp Genetics (formerly Invitae), Labcorp
Classification: Uncertain significance. Last evaluated: 2025-09-07. Review status: criteria provided, single submitter. Criteria: Invitae Variant Classification Sherloc (09022015). Collection method: clinical testing. Allele origin: germline.
Comment: This sequence change replaces glutamic acid, which is acidic and polar, with lysine, which is basic and polar, at codon 457 of the VCAN protein (p.Glu457Lys). This variant is present in population databases (rs145029761, gnomAD 0.02%). This variant has not been reported in the literature in individuals affected with VCAN-related conditions. ClinVar contains an entry for this variant (Variation ID: 903795). An algorithm developed to predict the effect of missense changes on protein structure and function outputs the following: PolyPhen-2: "Benign". The lysine amino acid residue is found in multiple mammalian species, which suggests that this missense change does not adversely affect protein function. In summary, the available evidence is currently insufficient to determine the role of this variant in disease. Therefore, it has been classified as a Variant of Uncertain Significance.

Blueprint Genetics
Classification: Likely benign. Last evaluated: 2024-10-02. Review status: criteria provided, single submitter. Criteria: ACMG Guidelines, 2015. Collection method: clinical testing. Allele origin: germline.

CeGaT Center for Human Genetics Tuebingen
Classification: Likely benign. Last evaluated: 2023-11-01. Review status: criteria provided, single submitter. Criteria: CeGaT Center For Human Genetics Tuebingen Variant Classification Criteria Version 2. Collection method: clinical testing. Allele origin: germline. Affected: yes. Observed: 1 variant allele.
Comment: VCAN: BP4, BS2

Ambry Genetics
Classification: Uncertain significance for Inborn genetic diseases. Last evaluated: 2021-11-08. Review status: criteria provided, single submitter. Criteria: Ambry Variant Classification Scheme 2023. Collection method: clinical testing. Allele origin: germline.

Illumina Laboratory Services, Illumina
Classification: Benign for Vitreoretinopathy. Last evaluated: 2018-01-12. Review status: criteria provided, single submitter. Criteria: ICSL Variant Classification Criteria 13 December 2019. Collection method: clinical testing. Allele origin: germline.
Comment: This variant was observed in the ICSL laboratory as part of a predisposition screen in an ostensibly healthy population. It had not been previously curated by ICSL or reported in the Human Gene Mutation Database (HGMD: prior to June 1st, 2018), and was therefore a candidate for classification through an automated scoring system. Utilizing variant allele frequency, disease prevalence and penetrance estimates, and inheritance mode, an automated score was calculated to assess if this variant is too frequent to cause the disease. Based on the score and internal cut-off values, a variant classified as benign is not then subjected to further curation. The score for this variant resulted in a classification of benign for this disease.

Illumina Laboratory Services, Illumina
Classification: Benign for Wagner disease. Last evaluated: 2018-01-12. Review status: criteria provided, single submitter. Criteria: ICSL Variant Classification Criteria 13 December 2019. Collection method: clinical testing. Allele origin: germline.
Comment: the same text as in the submission from Illumina Laboratory Services, Illumina above.